The following is an entry in ClinVar:

NM_000540.3(RYR1):c.2817C>T (p.Gly939=)

Gene: RYR1 (ryanodine receptor 1; plus strand). Cytogenetic location: 19q13.2.
Variant type: single nucleotide variant.
Coding change: c.2817C>T on transcript NM_000540.3 (MANE Select); coding-DNA position 2817, C replaced by T.
Protein change: p.Gly939=; no amino-acid change (glycine 939 retained).
Molecular consequence: synonymous variant.
Genome position (GRCh38, 1-based): chr19:38,464,669, C>T. VCF-style: chr19-38464669-C-T. GRCh37 (hg19) VCF-style: chr19-38955309-C-T.
Other names: c.2817C>T, p.Gly939= (NM_001042723.2).
Identifiers: ClinVar variation 3072767 (VCV003072767.3), dbSNP rs774544029, ClinGen allele CA064073.
Genomic context (GRCh38, chr19:38,464,669, plus strand): 5'-GACCTGTCGCCTCCACTCCCCCACCCCCAGGACTCTGCTGGCTCTGGGCTGCCACGTGGG[C>T]ATGGCGGATGAGAAGGCGGAGGACAACCTGAAGAAGACAAAACTCCCCAAGACGTGAGTG-3'
Protein context (NP_000531.2, residues 929-949): KTLLALGCHV[Gly939=]MADEKAEDNL

ClinVar aggregate classification (germline): Likely benign. Review status: criteria provided, multiple submitters, no conflicts (2 of 4 stars). 2 submissions from 2 submitters: Likely benign (2). Last evaluated 2024-06-11.

Conditions:
Malignant hyperthermia, susceptibility to, 1 (MHS1). Also called: Anesthesia related hyperthermia; Malignant hyperpyrexia; Fulminating hyperpyrexia; Pharmacogenic myopathy; RYR1-Related Malignant Hyperthermia Susceptibility; Malignant hyperthermia suceptibility 1. Identifiers: Orphanet 423, MedGen C2930980, MONDO:0007783, OMIM 145600.

Allele frequency attached by ClinVar (database versions not stated): ExAC 0.00003.
gnomAD v4.1: 1 of 1,593,556 alleles (0.000063%); highest among the groups gnomAD compares: Admixed American, 0.0018%; no homozygotes.

Submissions (2):

All of Us Research Program, National Institutes of Health
Classification: Likely benign for Malignant hyperthermia, susceptibility to, 1. Last evaluated: 2024-06-11. Review status: criteria provided, single submitter. Criteria: ACMG Guidelines, 2015. Collection method: clinical testing. Allele origin: germline. Inheritance: Autosomal dominant inheritance. Observed: 4 variant alleles, 4 heterozygotes.
Comment: This study involves interpretation of variants in research participants for the purpose of population health screening. Participant phenotype was not available at the time of variant classification. Additional details can be found in publication PMID: 35346344, PMCID: PMC8962531

Color Diagnostics, LLC DBA Color Health
Classification: Likely benign for Malignant hyperthermia, susceptibility to, 1. Last evaluated: 2024-01-31. Review status: criteria provided, single submitter. Criteria: ACMG Guidelines, 2015. Collection method: clinical testing. Allele origin: germline.